The following continues an entry in ClinVar:

NM_000059.4(BRCA2):c.8247_8248del (p.Lys2750fs)

Gene: BRCA2. ClinVar aggregate classification (germline): Pathogenic. Pathogenic (1).

Submissions 11 to 18 of 18:

GeneDx
Classification: Pathogenic. Last evaluated: 2021-12-15. Review status: criteria provided, single submitter. Criteria: GeneDx Variant Classification Process June 2021. Collection method: clinical testing. Allele origin: germline. Affected: yes. Not counted in ClinVar's aggregate classification.
Comment: Frameshift variant predicted to result in protein truncation or nonsense mediated decay in a gene for which loss-of-function is a known mechanism of disease; Truncating variants in this gene are considered pathogenic by a well-established clinical consortium and/or database; Not observed at significant frequency in large population cohorts (Lek 2016); Reported in individuals with personal or family history of BRCA2-related cancers (Marroni 2004, Lecarpentier 2012, Maxwell 2016, Rizzolo 2019, Toss 2019, Darst 2021); Also known as c.8246_8247delAG or 8475_8476delGA; This variant is associated with the following publications: (PMID: 15340362, 22762150, 30787465, 27153395, 30736435, 30613976, 32853339)

Genetics Program, Instituto Nacional de Cancer
Classification: Pathogenic for Hereditary breast ovarian cancer syndrome. Last evaluated: 2021-11-01. Review status: criteria provided, single submitter. Criteria: ACMG Guidelines, 2015. Collection method: research. Allele origin: germline. Affected: yes. Not counted in ClinVar's aggregate classification.

Laboratory of Medical Genetics Unit, Bambino Gesù Children's Hospital
Classification: Pathogenic for Diffuse midline glioma, H3 K27-altered. Last evaluated: 2018-05-31. Review status: criteria provided, single submitter. Criteria: ACMG Guidelines, 2015. Collection method: research. Allele origin: germline. Affected: yes. Observed: 1 heterozygote. Not counted in ClinVar's aggregate classification.

Consortium of Investigators of Modifiers of BRCA1/2 (CIMBA), c/o University of Cambridge
Classification: Pathogenic for Breast-ovarian cancer, familial, susceptibility to, 2. Last evaluated: 2015-10-02. Review status: criteria provided, single submitter. Criteria: CIMBA Mutation Classification guidelines May 2016. Collection method: clinical testing. Allele origin: germline. Not counted in ClinVar's aggregate classification.

Genesis Genomics
Classification: Pathogenic for Breast-ovarian cancer, familial, susceptibility to, 2. Review status: criteria provided, single submitter. Criteria: ACMG Guidelines, 2015. Collection method: clinical testing. Allele origin: germline. Affected: no. Observed: 1 variant allele. Not counted in ClinVar's aggregate classification.

Research Molecular Genetics Laboratory, Women's College Hospital, University of Toronto
Classification: Pathogenic for Hereditary breast ovarian cancer syndrome. Last evaluated: 2014-01-31. Review status: no assertion criteria provided. Collection method: research. Allele origin: germline. Affected: yes. Study: The Canadian Open Genetics Repository (COGR). Not counted in ClinVar's aggregate classification.

Sharing Clinical Reports Project (SCRP)
Classification: Pathogenic for Breast-ovarian cancer, familial 2. Last evaluated: 2011-03-30. Review status: no assertion criteria provided. Collection method: clinical testing. Allele origin: germline. Not counted in ClinVar's aggregate classification.

Breast Cancer Information Core (BIC) (BRCA2)
Classification: Pathogenic for Breast-ovarian cancer, familial 2. Last evaluated: 2002-05-29. Review status: no assertion criteria provided. Collection method: clinical testing. Allele origin: germline. Affected: yes. Observed: 10 variant alleles. Not counted in ClinVar's aggregate classification.

Literature cited by the submitters: PubMed 20104584 (cited by Labcorp Genetics (formerly Invitae), Labcorp); PubMed 15340362 (cited by 3 submitters); PubMed 22762150 (cited by 3 submitters); PubMed 36329109 (cited by Quest Diagnostics Nichols Institute San Juan Capistrano and Genetics Program, Instituto Nacional de Cancer); PubMed 34072659 (cited by Quest Diagnostics Nichols Institute San Juan Capistrano and Color Diagnostics, LLC DBA Color Health); PubMed 31512090 (cited by Quest Diagnostics Nichols Institute San Juan Capistrano and Ambry Genetics); PubMed 33710808 (cited by Quest Diagnostics Nichols Institute San Juan Capistrano); PubMed 17257844 (cited by Quest Diagnostics Nichols Institute San Juan Capistrano and Color Diagnostics, LLC DBA Color Health); PubMed 26295337 (cited by Quest Diagnostics Nichols Institute San Juan Capistrano); PubMed 11879560 (cited by Color Diagnostics, LLC DBA Color Health); PubMed 22776961 (cited by Color Diagnostics, LLC DBA Color Health); PubMed 27163896 (cited by Color Diagnostics, LLC DBA Color Health); PubMed 27153395 (cited by Ambry Genetics); PubMed 29446198 (cited by Women's Health and Genetics/Laboratory Corporation of America, LabCorp).